The following is an entry in ClinVar:

ClinVar aggregate classification (germline): Uncertain significance (1 of 4 stars; one submission).

Allele frequency attached by ClinVar (database versions not stated): ExAC 0.00002; gnomAD exomes 0.00002 and 0.00005; gnomAD 0.00003 and 0.00004; TOPMed 0.00006; ESP Exome Variant Server 0.00015.
gnomAD v4.1: 79 of 1,613,188 alleles (0.0049%); highest among the groups gnomAD compares: Non-Finnish European, 0.0064%; no homozygotes.

Submission:

Labcorp Genetics (formerly Invitae), Labcorp
Classification: Uncertain significance. Last evaluated: 2022-08-16. Review status: criteria provided, single submitter. Criteria: Invitae Variant Classification Sherloc (09022015). Collection method: clinical testing. Allele origin: germline.
Comment: This sequence change replaces glycine, which is neutral and non-polar, with serine, which is neutral and polar, at codon 34 of the OCA2 protein (p.Gly34Ser). This variant is present in population databases (rs367553582, gnomAD 0.009%). This variant has not been reported in the literature in individuals affected with OCA2-related conditions. ClinVar contains an entry for this variant (Variation ID: 1392345). Advanced modeling of protein sequence and biophysical properties (such as structural, functional, and spatial information, amino acid conservation, physicochemical variation, residue mobility, and thermodynamic stability) performed at Invitae indicates that this missense variant is not expected to disrupt OCA2 protein function. Algorithms developed to predict the effect of sequence changes on RNA splicing suggest that this variant may create or strengthen a splice site. In summary, the available evidence is currently insufficient to determine the role of this variant in disease. Therefore, it has been classified as a Variant of Uncertain Significance.

NM_000275.3(OCA2):c.100G>A (p.Gly34Ser)

Gene: OCA2 (OCA2 melanosomal transmembrane protein; minus strand). Cytogenetic location: 15q13.1.
Variant type: single nucleotide variant.
Coding change: c.100G>A on transcript NM_000275.3 (MANE Select); coding-DNA position 100, G replaced by A.
Protein change: p.Gly34Ser; replaces glycine 34 with serine.
Molecular consequence: missense variant.
Genome position (GRCh38, 1-based): chr15:28,081,775, C>T on the plus strand (G>A on the coding strand, the complement: OCA2 is on the minus strand). VCF-style: chr15-28081775-C-T. GRCh37 (hg19) VCF-style: chr15-28326921-C-T.
Other names: c.100G>A, p.Gly34Ser (NM_001300984.2); short protein forms G34S.
Identifiers: ClinVar variation 1392345 (VCV001392345.5), dbSNP rs367553582, ClinGen allele CA7439581.